The following is an entry in ClinVar:

ClinVar aggregate classification (germline): Likely pathogenic (1 of 4 stars; one submission).

Conditions:
Intellectual developmental disorder, autosomal dominant 55, with seizures. Also called: MENTAL RETARDATION, AUTOSOMAL DOMINANT 55, WITH SEIZURES; Intellectual disability, autosomal dominant 55, with seizures. Identifiers: MedGen C4693371, MONDO:0030921, OMIM 617831.

Submission:

CGC Genetics, Unilabs
Classification: Likely pathogenic for Intellectual developmental disorder, autosomal dominant 55, with seizures. Last evaluated: 2026-03-31. Review status: criteria provided, single submitter. Criteria: ACMG Guidelines, 2015. Collection method: clinical testing. Allele origin: germline. Inheritance: Autosomal dominant inheritance. Affected: yes. Observed: 1 variant allele.
Comment: The NM_138459.5:c.684_687del p.(Leu230Valfs*10) variant, detected in heterozygosity in the NUS1 gene, has not been previously described in the literature or reported in the ClinVar and gnomAD v4.1.0 databases. This is a frameshift variant located in exon 3 (out of 5) that introduces a premature termination codon, and is predicted to result in a truncated protein and/or reduced expression due to nonsense-mediated mRNA decay. Based on the currently available evidence, this variant is classified as likely pathogenic.

NM_138459.5(NUS1):c.684_687del (p.Leu230fs)

Gene: NUS1 (NUS1 dehydrodolichyl diphosphate synthase subunit; plus strand). Cytogenetic location: 6q22.1.
Variant type: Deletion.
Coding change: c.684_687del on transcript NM_138459.5 (MANE Select); coding-DNA positions 684 to 687, 4 bases deleted (TTTA; older notation c.684_687delTTTA).
Protein change: p.Leu230fs; shifts the reading frame from leucine 230.
Molecular consequence: frameshift variant.
Genome position (GRCh38, 1-based): chr6:117,694,173-117,694,176, TTTA deleted. VCF-style (leftmost placement, unchanged base first): chr6-117694172-GTTTA-G. GRCh37 (hg19) VCF-style: chr6-118015335-GTTTA-G.
Other names: short protein forms L230fs.
Identifiers: ClinVar variation 4851603 (VCV004851603.1).
Genomic context (GRCh38, chr6:117,694,172, plus strand): 5'-GCCAGTTAGTAGCCCAGAAGCAAAAGAGACCCACAGATTTGGATGTAGATACGTTAGCCA[GTTTA>G]CTTAGTAAGTTTTTTTATATATATATACATATATATGTATATGTATGTGTGTGTGTTTAG-3'